The following is an entry in ClinVar:

ClinVar aggregate classification (germline): Uncertain significance. Review status: criteria provided, multiple submitters, no conflicts (2 of 4 stars). 2 submissions from 2 submitters: Uncertain significance (2). Last evaluated 2024-05-28.

Conditions:
Charcot-Marie-Tooth disease type 4. Also called: Charcot-Marie-Tooth, Type 4; Charcot-Marie-Tooth disease, type IV. Identifiers: Orphanet 64749, MedGen C4082197, MONDO:0018995.
Charcot-Marie-Tooth disease type 4B2. Also called: Charcot-Marie-Tooth Neuropathy Type 4B2; CMT 4B2; CHARCOT-MARIE-TOOTH DISEASE, DEMYELINATING, TYPE 4B2; CHARCOT-MARIE-TOOTH DISEASE, WITH FOCALLY FOLDED MYELIN SHEATHS, AUTOSOMAL RECESSIVE, TYPE 4B2. Identifiers: Orphanet 99956, MedGen C1858278, MONDO:0011475, OMIM 604563.

Allele frequency attached by ClinVar (database versions not stated): gnomAD 0.00001; ExAC 0.00003.
gnomAD v4.1: 23 of 1,614,038 alleles (0.0014%); highest among the groups gnomAD compares: East Asian, 0.051%; no homozygotes.

Submissions (2):

Labcorp Genetics (formerly Invitae), Labcorp
Classification: Uncertain significance for Charcot-Marie-Tooth disease type 4. Last evaluated: 2024-05-28. Review status: criteria provided, single submitter. Criteria: Invitae Variant Classification Sherloc (09022015). Collection method: clinical testing. Allele origin: germline.
Comment: This sequence change replaces glycine, which is neutral and non-polar, with glutamic acid, which is acidic and polar, at codon 1712 of the SBF2 protein (p.Gly1712Glu). This variant is present in population databases (rs757214892, gnomAD 0.04%). This variant has not been reported in the literature in individuals affected with SBF2-related conditions. ClinVar contains an entry for this variant (Variation ID: 883723). Advanced modeling of protein sequence and biophysical properties (such as structural, functional, and spatial information, amino acid conservation, physicochemical variation, residue mobility, and thermodynamic stability) has been performed at Invitae for this missense variant, however the output from this modeling did not meet the statistical confidence thresholds required to predict the impact of this variant on SBF2 protein function. In summary, the available evidence is currently insufficient to determine the role of this variant in disease. Therefore, it has been classified as a Variant of Uncertain Significance.

Illumina Laboratory Services, Illumina
Classification: Uncertain significance for Charcot-Marie-Tooth disease type 4B2. Last evaluated: 2018-01-13. Review status: criteria provided, single submitter. Criteria: ICSL Variant Classification Criteria 13 December 2019. Collection method: clinical testing. Allele origin: germline.

NM_030962.4(SBF2):c.5135G>A (p.Gly1712Glu)

Genes: SBF2 (SET binding factor 2; minus strand), SBF2-AS1 (SBF2 antisense RNA 1; plus strand), LOC105369149 (uncharacterized LOC105369149; plus strand). Cytogenetic location: 11p15.4.
Variant type: single nucleotide variant.
Coding change: c.5135G>A on transcript NM_030962.4 (MANE Select); coding-DNA position 5135, G replaced by A.
Protein change: p.Gly1712Glu; replaces glycine 1712 with glutamic acid.
Molecular consequence: missense variant.
Genome position (GRCh38, 1-based): chr11:9,785,221, C>T on the plus strand (G>A on the coding strand, the complement: SBF2 is on the minus strand). VCF-style: chr11-9785221-C-T. GRCh37 (hg19) VCF-style: chr11-9806768-C-T.
Other names: c.5231G>A, p.Gly1744Glu (NM_001386339.1); c.5006G>A, p.Gly1669Glu (NM_001386342.1); short protein forms G1712E, G1669E, G1744E.
Identifiers: ClinVar variation 883723 (VCV000883723.6), dbSNP rs757214892, ClinGen allele CA5880783.